The following is an entry in ClinVar:

ClinVar aggregate classification (germline): Uncertain significance (1 of 4 stars; one submission).

Conditions:
DLG4-related disorder. Also called: DLG4-related condition.

gnomAD v4.1: 1 of 1,609,472 alleles (0.000062%); highest among the groups gnomAD compares: South Asian, 0.0011%; no homozygotes.

Submission:

PreventionGenetics, part of Exact Sciences
Classification: Uncertain significance for DLG4-related condition. Last evaluated: 2026-06-27. Review status: criteria provided, single submitter. Criteria: ACMG Guidelines, 2015. Collection method: clinical testing. Allele origin: germline.
Comment: The DLG4 c.610A>G variant is predicted to result in the amino acid substitution p.Ile204Val. To our knowledge, this variant has not been reported in the literature or in a large population database (gnomAD), indicating this variant is rare. At this time, the clinical significance of this variant is uncertain due to the absence of conclusive functional and genetic evidence.

NM_001321075.3(DLG4):c.481A>G (p.Ile161Val)

Gene: DLG4 (discs large MAGUK scaffold protein 4; minus strand). Cytogenetic location: 17p13.1.
Variant type: single nucleotide variant.
Coding change: c.481A>G on transcript NM_001321075.3 (MANE Select); coding-DNA position 481, A replaced by G.
Protein change: p.Ile161Val; replaces isoleucine 161 with valine.
Molecular consequence: missense variant. On other transcripts: non-coding transcript variant (1).
Genome position (GRCh38, 1-based): chr17:7,203,448, T>C on the plus strand (A>G on the coding strand, the complement: DLG4 is on the minus strand). VCF-style: chr17-7203448-T-C. GRCh37 (hg19) VCF-style: chr17-7106767-T-C.
Other names: c.472A>G, p.Ile158Val (NM_001128827.4); c.601A>G, p.Ile201Val (NM_001321074.1); c.301A>G, p.Ile101Val (NM_001321076.3, NM_001321077.3); c.610A>G, p.Ile204Val (NM_001365.5); c.400A>G, p.Ile134Val (NM_001369566.3); short protein forms I161V, I201V, I204V, I101V, I134V, I158V.
Identifiers: ClinVar variation 5001623 (VCV005001623.1).